The following is an entry in ClinVar:

NM_003640.5(ELP1):c.1017C>G (p.Ser339Arg)

Gene: ELP1 (elongator acetyltransferase complex subunit 1; minus strand). Cytogenetic location: 9q31.3.
Variant type: single nucleotide variant.
Coding change: c.1017C>G on transcript NM_003640.5 (MANE Select); coding-DNA position 1017, C replaced by G.
Protein change: p.Ser339Arg; replaces serine 339 with arginine.
Molecular consequence: missense variant. On other transcripts: 5 prime UTR variant (1).
Genome position (GRCh38, 1-based): chr9:108,912,436, G>C on the plus strand (C>G on the coding strand, the complement: ELP1 is on the minus strand). VCF-style: chr9-108912436-G-C. GRCh37 (hg19) VCF-style: chr9-111674716-G-C.
Other names: c.675C>G, p.Ser225Arg (NM_001318360.2); c.-31C>G (NM_001330749.2); short protein forms S225R, S339R.
Identifiers: ClinVar variation 2157368 (VCV002157368.1), dbSNP rs56053149, ClinGen allele CA5175151.

ClinVar aggregate classification (germline): Uncertain significance (1 of 4 stars; one submission).

gnomAD v4.1: 13 of 1,613,984 alleles (0.00081%); highest among the groups gnomAD compares: Non-Finnish European, 0.0011%; no homozygotes.

Submission:

Labcorp Genetics (formerly Invitae), Labcorp
Classification: Uncertain significance. Last evaluated: 2022-03-12. Review status: criteria provided, single submitter. Criteria: Invitae Variant Classification Sherloc (09022015). Collection method: clinical testing. Allele origin: germline.
Comment: This sequence change replaces serine, which is neutral and polar, with arginine, which is basic and polar, at codon 339 of the ELP1 protein (p.Ser339Arg). This variant is present in population databases (rs56053149, gnomAD 0.002%). This variant has not been reported in the literature in individuals affected with ELP1-related conditions. Algorithms developed to predict the effect of missense changes on protein structure and function are either unavailable or do not agree on the potential impact of this missense change (SIFT: "Deleterious"; PolyPhen-2: "Possibly Damaging"; Align-GVGD: "Class C0"). In summary, the available evidence is currently insufficient to determine the role of this variant in disease. Therefore, it has been classified as a Variant of Uncertain Significance.